The following is an entry in ClinVar:

ClinVar aggregate classification (germline): Uncertain significance (1 of 4 stars; one submission).

Conditions:
Beckwith-Wiedemann syndrome (BWS). Also called: EMG SYNDROME; Exomphalos macroglossia gigantism syndrome. Identifiers: Orphanet 116, MedGen C0004903, MONDO:0007534, OMIM 130650.

Submission:

Labcorp Genetics (formerly Invitae), Labcorp
Classification: Uncertain significance for Beckwith-Wiedemann syndrome. Last evaluated: 2020-12-10. Review status: criteria provided, single submitter. Criteria: Invitae Variant Classification Sherloc (09022015). Collection method: clinical testing. Allele origin: germline.
Comment: In summary, the available evidence is currently insufficient to determine the role of this variant in disease. Therefore, it has been classified as a Variant of Uncertain Significance. Algorithms developed to predict the effect of missense changes on protein structure and function (SIFT, PolyPhen-2, Align-GVGD) all suggest that this variant is likely to be tolerated, but these predictions have not been confirmed by published functional studies and their clinical significance is uncertain. This variant has not been reported in the literature in individuals with CDKN1C-related conditions. The frequency data for this variant in the population databases is considered unreliable, as metrics indicate insufficient coverage at this position in the ExAC database. This sequence change replaces serine with arginine at codon 116 of the CDKN1C protein (p.Ser116Arg). The serine residue is moderately conserved and there is a moderate physicochemical difference between serine and arginine.

NM_001122630.2(CDKN1C):c.313A>C (p.Ser105Arg)

Gene: CDKN1C (cyclin dependent kinase inhibitor 1C; minus strand). Cytogenetic location: 11p15.4.
Variant type: single nucleotide variant.
Coding change: c.313A>C on transcript NM_001122630.2 (MANE Select); coding-DNA position 313, A replaced by C.
Protein change: p.Ser105Arg; replaces serine 105 with arginine.
Molecular consequence: missense variant. On other transcripts: intron variant (1).
Genome position (GRCh38, 1-based): chr11:2,885,144, T>G on the plus strand (A>C on the coding strand, the complement: CDKN1C is on the minus strand). VCF-style: chr11-2885144-T-G. GRCh37 (hg19) VCF-style: chr11-2906374-T-G.
Other names: c.346A>C, p.Ser116Arg (NM_000076.2, NM_001362474.2); c.313A>C, p.Ser105Arg (NM_001122631.2); c.255+58A>C (NM_001362475.2); short protein forms S105R, S116R.
Identifiers: ClinVar variation 1391329 (VCV001391329.8), dbSNP rs2133785183, ClinGen allele CA379146889.
Genomic context (GRCh38, chr11:2,885,144, plus strand): 5'-GCTGCTCCGGCGCCTCCTCGAGGCCGTCGAGGGACTCAGCGGCCGGCTCGAGGGGCGGGC[T>G]GACAGCCACCGCGACCGCGACGGGCCGCGGCGCCAGCAGCAGGCGGCAGCGCCCCACCTG-3'
Protein context (NP_001116102.1, residues 95-115): PRPVAVAVAV[Ser105Arg]PPLEPAAESL